The following is an entry in ClinVar:

NM_001256071.3(RNF213):c.6551A>G (p.Gln2184Arg)

Gene: RNF213 (ring finger protein 213; plus strand). Cytogenetic location: 17q25.3.
Variant type: single nucleotide variant.
Coding change: c.6551A>G on transcript NM_001256071.3 (MANE Select); coding-DNA position 6551, A replaced by G.
Protein change: p.Gln2184Arg; replaces glutamine 2184 with arginine.
Molecular consequence: missense variant.
Genome position (GRCh38, 1-based): chr17:80,344,886, A>G. VCF-style: chr17-80344886-A-G. GRCh37 (hg19) VCF-style: chr17-78318686-A-G.
Other names: p.Gln2184Arg; short protein forms Q2184R.
Identifiers: ClinVar variation 779368 (VCV000779368.34), dbSNP rs138595111, ClinGen allele CA8820563.

ClinVar aggregate classification (germline): Benign/Likely benign. Review status: criteria provided, multiple submitters, no conflicts (2 of 4 stars). 5 submissions from 5 submitters: Benign (1); Likely benign (3). 1 of the submissions does not count toward it. Last evaluated 2026-01-14.

Conditions:
RNF213-related disorder. Also called: RNF213-related condition.

Allele frequency attached by ClinVar (database versions not stated): 1000 Genomes Project 30x 0.00156; 1000 Genomes Project 0.00160; ESP Exome Variant Server 0.00223; ExAC 0.00236; gnomAD exomes 0.00250; gnomAD 0.00254 and 0.00256; TOPMed 0.00267.
gnomAD v4.1: 5,880 of 1,614,204 alleles (0.36%); highest among the groups gnomAD compares: Middle Eastern, 1%; 20 homozygotes.

Submissions (5):

Labcorp Genetics (formerly Invitae), Labcorp
Classification: Likely benign. Last evaluated: 2026-01-14. Review status: criteria provided, single submitter. Criteria: Invitae Variant Classification Sherloc (09022015). Collection method: clinical testing. Allele origin: germline.

CeGaT Center for Human Genetics Tuebingen
Classification: Likely benign. Last evaluated: 2024-08-01. Review status: criteria provided, single submitter. Criteria: CeGaT Center For Human Genetics Tuebingen Variant Classification Criteria Version 2. Collection method: clinical testing. Allele origin: germline. Affected: yes. Observed: 4 variant alleles.
Comment: RNF213: BP4, BS2

Mayo Clinic Laboratories, Mayo Clinic
Classification: Benign. Last evaluated: 2023-11-08. Review status: criteria provided, single submitter. Criteria: ACMG Guidelines, 2015. Collection method: clinical testing. Allele origin: germline. Observed: 3 variant alleles.
Comment: BS1, BS2, BP4

Breakthrough Genomics
Classification: Likely benign. Review status: criteria provided, single submitter. Criteria: ACMG Guidelines, 2015. Collection method: not provided. Allele origin: germline. Inheritance: Autosomal dominant inheritance. Affected: yes.

PreventionGenetics, part of Exact Sciences
Classification: Likely benign for RNF213-related condition. Last evaluated: 2022-04-11. Review status: no assertion criteria provided. Collection method: clinical testing. Allele origin: germline. Not counted in ClinVar's aggregate classification.
Comment: This variant is classified as likely benign based on ACMG/AMP sequence variant interpretation guidelines (Richards et al. 2015 PMID: 25741868, with internal and published modifications).